The following is an entry in ClinVar:

NM_144687.4(NLRP12):c.2072+738G>T

Gene: NLRP12 (NLR family pyrin domain containing 12; minus strand). Cytogenetic location: 19q13.42.
Variant type: single nucleotide variant.
Coding change: c.2072+738G>T on transcript NM_144687.4 (MANE Select); 738 bases into the intron after coding-DNA position 2072, G replaced by T.
Molecular consequence: intron variant.
Genome position (GRCh38, 1-based): chr19:53,808,849, C>A on the plus strand (G>T on the coding strand, the complement: NLRP12 is on the minus strand). VCF-style: chr19-53808849-C-A. GRCh37 (hg19) VCF-style: chr19-54312103-C-A.
Other names: c.2072+738G>T (NM_001277129.1, NM_001277126.2).
Identifiers: ClinVar variation 102980 (VCV000102980.2), dbSNP rs199475866, ClinGen allele CA229946.

ClinVar aggregate classification (germline): not provided (0 of 4 stars; one submission).

Allele frequency attached by ClinVar (database versions not stated): gnomAD 0.00001; TOPMed 0.00001.

Submission:

Human Evolutionary Genetics, Institut Pasteur
No classification provided. Review status: no classification provided. Collection method: not provided. Allele origin: germline.
ClinVar note: Converted during submission from untested to not provided.